The following is an entry in ClinVar:

ClinVar aggregate classification (germline): Pathogenic (1 of 4 stars; one submission).

Conditions:
Myofibrillar myopathy 6. Identifiers: Orphanet 199340, MedGen C2751831, MONDO:0013061, OMIM 612954.
Dilated cardiomyopathy 1HH (CMD1HH). Identifiers: Orphanet 154, MedGen C3151293, MONDO:0013479, OMIM 613881.

Submission:

Labcorp Genetics (formerly Invitae), Labcorp
Classification: Pathogenic for Dilated cardiomyopathy 1HH; Myofibrillar myopathy 6. Last evaluated: 2025-09-22. Review status: criteria provided, single submitter. Criteria: Invitae Variant Classification Sherloc (09022015). Collection method: clinical testing. Allele origin: germline.
Comment: This sequence change creates a premature translational stop signal (p.Gln353Argfs*10) in the BAG3 gene. While this is not anticipated to result in nonsense mediated decay, it is expected to disrupt the last 223 amino acid(s) of the BAG3 protein. This variant is not present in population databases (gnomAD no frequency). This premature translational stop signal has been observed in individual(s) with dilated cardiomyopathy (PMID: 25008357). It has also been observed to segregate with disease in related individuals. This variant is also known as c.1055delC. ClinVar contains an entry for this variant (Variation ID: 1324125). This variant disrupts a region of the BAG3 protein in which other variant(s) (p.Arg473*) have been determined to be pathogenic (PMID: 28436997; internal data). This suggests that this is a clinically significant region of the protein, and that variants that disrupt it are likely to be disease-causing. For these reasons, this variant has been classified as Pathogenic.

Literature cited by the submitters: PubMed 25008357; PubMed 28436997.

NM_004281.4(BAG3):c.1057del (p.Gln353fs)

Gene: BAG3 (BAG cochaperone 3; plus strand). Cytogenetic location: 10q26.11.
Variant type: Deletion.
Coding change: c.1057del on transcript NM_004281.4 (MANE Select); coding-DNA position 1057, one base deleted (C; older notation c.1057delC).
Protein change: p.Gln353fs; shifts the reading frame from glutamine 353.
Molecular consequence: frameshift variant.
Genome position (GRCh38, 1-based): chr10:119,676,611, C deleted; the last of 3 consecutive C bases (chr10:119,676,609-119,676,611); deleting any one gives the same sequence. VCF-style (leftmost placement, unchanged base first): chr10-119676608-TC-T. GRCh37 (hg19) VCF-style: chr10-121436120-TC-T.
Other names: short protein forms Q353fs.
Identifiers: ClinVar variation 1324125 (VCV001324125.6), dbSNP rs2134068813, ClinGen allele CA1139532492.